The following is an entry in ClinVar:

NM_004519.4(KCNQ3):c.1701-17C>T

Gene: KCNQ3 (potassium voltage-gated channel subfamily Q member 3; minus strand). Cytogenetic location: 8q24.22.
Variant type: single nucleotide variant.
Coding change: c.1701-17C>T on transcript NM_004519.4 (MANE Select); 17 bases into the intron before coding-DNA position 1701, C replaced by T.
Molecular consequence: intron variant.
Genome position (GRCh38, 1-based): chr8:132,134,405, G>A on the plus strand (C>T on the coding strand, the complement: KCNQ3 is on the minus strand). VCF-style: chr8-132134405-G-A. GRCh37 (hg19) VCF-style: chr8-133146652-G-A.
Other names: c.1341-17C>T (NM_001204824.2).
Identifiers: ClinVar variation 138045 (VCV000138045.10), dbSNP rs375928058, ClinGen allele CA291838.
Genomic context (GRCh38, chr8:132,134,405, plus strand): 5'-GTTTTGGCGTGGAGGGAGGTCCAGGGGTGAAAATCATATCTATTCTGAAAGAAACAAACA[G>A]AGCAGGGATTAAATTACACAGAGCTTTGTTTTGACAGGAAAACAAATCATTCTATTCTCT-3'

ClinVar aggregate classification (germline): Benign/Likely benign. Review status: criteria provided, multiple submitters, no conflicts (2 of 4 stars). 3 submissions from 3 submitters: Benign (2); Likely benign (1). Last evaluated 2026-01-18.

Conditions:
Benign neonatal seizures. Also called: Convulsions benign familial neonatal dominant form; Autosomal dominant form of benign neonatal seizures; Benign familial neonatal seizures; Benign neonatal familial convulsions; Benign familial neonatal epilepsy. Identifiers: Orphanet 1949, MedGen C0220669, MONDO:0016027.

Allele frequency attached by ClinVar (database versions not stated): TOPMed 0.00023; gnomAD 0.00032 and 0.00036; 1000 Genomes Project 0.00040; 1000 Genomes Project 30x 0.00047; ESP Exome Variant Server 0.00054; gnomAD exomes 0.00064; ExAC 0.00075.
gnomAD v4.1: 930 of 1,530,904 alleles (0.061%); highest among the groups gnomAD compares: South Asian, 0.29%; 6 homozygotes.

Submissions (3):

Labcorp Genetics (formerly Invitae), Labcorp
Classification: Benign for Benign neonatal seizures. Last evaluated: 2026-01-18. Review status: criteria provided, single submitter. Criteria: Invitae Variant Classification Sherloc (09022015). Collection method: clinical testing. Allele origin: germline.

Blueprint Genetics
Classification: Likely benign. Last evaluated: 2024-10-21. Review status: criteria provided, single submitter. Criteria: ACMG Guidelines, 2015. Collection method: clinical testing. Allele origin: germline.

GeneDx
Classification: Benign. Last evaluated: 2014-03-14. Review status: criteria provided, single submitter. Criteria: GeneDx Variant Classification (06012015). Collection method: clinical testing. Allele origin: germline. Affected: yes.
Comment: This variant is considered likely benign or benign based on one or more of the following criteria: it is a conservative change, it occurs at a poorly conserved position in the protein, it is predicted to be benign by multiple in silico algorithms, and/or has population frequency not consistent with disease.